The following is an entry in ClinVar:

ClinVar aggregate classification (germline): Uncertain significance. Review status: criteria provided, multiple submitters, no conflicts (2 of 4 stars). 2 submissions from 2 submitters: Uncertain significance (2). Last evaluated 2024-04-10.

Conditions:
Hereditary cancer-predisposing syndrome. Also called: Hereditary neoplastic syndrome; Neoplastic Syndromes, Hereditary; Hereditary Cancer Syndrome; Tumor predisposition. Identifiers: Orphanet 140162, MedGen C0027672, MeSH D009386, MONDO:0015356.

Submissions (2):

Labcorp Genetics (formerly Invitae), Labcorp
Classification: Uncertain significance for Hereditary cancer-predisposing syndrome. Last evaluated: 2024-04-10. Review status: criteria provided, single submitter. Criteria: Invitae Variant Classification Sherloc (09022015). Collection method: clinical testing. Allele origin: germline.
Comment: This sequence change replaces glutamic acid, which is acidic and polar, with glutamine, which is neutral and polar, at codon 402 of the RAD50 protein (p.Glu402Gln). This variant is not present in population databases (gnomAD no frequency). This variant has not been reported in the literature in individuals affected with RAD50-related conditions. ClinVar contains an entry for this variant (Variation ID: 659642). Advanced modeling of protein sequence and biophysical properties (such as structural, functional, and spatial information, amino acid conservation, physicochemical variation, residue mobility, and thermodynamic stability) performed at Invitae indicates that this missense variant is not expected to disrupt RAD50 protein function with a negative predictive value of 80%. In summary, the available evidence is currently insufficient to determine the role of this variant in disease. Therefore, it has been classified as a Variant of Uncertain Significance.

Ambry Genetics
Classification: Uncertain significance for Hereditary cancer-predisposing syndrome. Last evaluated: 2023-11-18. Review status: criteria provided, single submitter. Criteria: Ambry Variant Classification Scheme 2023. Collection method: clinical testing. Allele origin: germline.
Comment: The p.E402Q variant (also known as c.1204G>C), located in coding exon 8 of the RAD50 gene, results from a G to C substitution at nucleotide position 1204. The glutamic acid at codon 402 is replaced by glutamine, an amino acid with highly similar properties. This amino acid position is well conserved in available vertebrate species. In addition, this alteration is predicted to be tolerated by in silico analysis. Since supporting evidence is limited at this time, the clinical significance of this alteration remains unclear.

NM_005732.4(RAD50):c.1204G>C (p.Glu402Gln)

Gene: RAD50 (RAD50 double strand break repair protein; plus strand). Cytogenetic location: 5q31.1.
Variant type: single nucleotide variant.
Coding change: c.1204G>C on transcript NM_005732.4 (MANE Select); coding-DNA position 1204, G replaced by C.
Protein change: p.Glu402Gln; replaces glutamic acid 402 with glutamine.
Molecular consequence: missense variant.
Genome position (GRCh38, 1-based): chr5:132,588,839, G>C. VCF-style: chr5-132588839-G-C. GRCh37 (hg19) VCF-style: chr5-131924531-G-C.
Other names: short protein forms E402Q.
Identifiers: ClinVar variation 659642 (VCV000659642.13), dbSNP rs1580992891, ClinGen allele CA360942919.